The following is an entry in ClinVar:

NM_020693.4(DSCAML1):c.823C>A (p.Arg275Ser)

Gene: DSCAML1 (DS cell adhesion molecule like 1; minus strand). Cytogenetic location: 11q23.3.
Variant type: single nucleotide variant.
Coding change: c.823C>A on transcript NM_020693.4 (MANE Select); coding-DNA position 823, C replaced by A.
Protein change: p.Arg275Ser; replaces arginine 275 with serine.
Molecular consequence: missense variant.
Genome position (GRCh38, 1-based): chr11:117,524,919, G>T on the plus strand (C>A on the coding strand, the complement: DSCAML1 is on the minus strand). VCF-style: chr11-117524919-G-T. GRCh37 (hg19) VCF-style: chr11-117395634-G-T.
Other names: c.823C>A, p.Arg275Ser (NM_001367904.1); c.415C>A, p.Arg139Ser (NM_001367905.1); short protein forms R139S, R275S.
Identifiers: ClinVar variation 1902516 (VCV001902516.5), dbSNP rs144255310, ClinGen allele CA6297443.

ClinVar aggregate classification (germline): Uncertain significance (1 of 4 stars; one submission).

Allele frequency attached by ClinVar (database versions not stated): ExAC 0.00004.
gnomAD v4.1: 53 of 1,613,592 alleles (0.0033%); highest among the groups gnomAD compares: South Asian, 0.054%; 1 homozygote.

Submission:

Labcorp Genetics (formerly Invitae), Labcorp
Classification: Uncertain significance. Last evaluated: 2025-10-19. Review status: criteria provided, single submitter. Criteria: Invitae Variant Classification Sherloc (09022015). Collection method: clinical testing. Allele origin: germline.
Comment: This sequence change replaces arginine, which is basic and polar, with serine, which is neutral and polar, at codon 335 of the DSCAML1 protein (p.Arg335Ser). This variant is present in population databases (rs144255310, gnomAD 0.06%), and has an allele count higher than expected for a pathogenic variant. This variant has not been reported in the literature in individuals affected with DSCAML1-related conditions. ClinVar contains an entry for this variant (Variation ID: 1902516). An algorithm developed to predict the effect of missense changes on protein structure and function (PolyPhen-2) suggests that this variant is likely to be tolerated. In summary, the available evidence is currently insufficient to determine the role of this variant in disease. Therefore, it has been classified as a Variant of Uncertain Significance.